The following is an entry in ClinVar:

ClinVar aggregate classification (germline): Uncertain significance. Review status: criteria provided, multiple submitters, no conflicts (2 of 4 stars). 2 submissions from 2 submitters: Uncertain significance (2). Last evaluated 2025-11-11.

Conditions:
Curry-Hall syndrome (WAD). Also called: WEYERS ACRODENTAL DYSOSTOSIS. Identifiers: Orphanet 952, MedGen C0457013, MONDO:0008673, OMIM 193530.
Ellis-van Creveld syndrome (EVC). Also called: EVC-Related Ellis-van Creveld Syndrome; EVC2-Related Ellis-van Creveld Syndrome; MESOECTODERMAL DYSPLASIA; Chondroectodermal dysplasia. Identifiers: Orphanet 289, MedGen C0013903, MONDO:0009162, OMIM 225500.
Inborn genetic diseases. Identifiers: MedGen C0950123, MeSH D030342.

gnomAD v4.1: 7 of 1,485,846 alleles (0.00047%); highest among the groups gnomAD compares: Non-Finnish European, 0.00053%; no homozygotes.

Submissions (2):

Ambry Genetics
Classification: Uncertain significance for Inborn genetic diseases. Last evaluated: 2025-11-11. Review status: criteria provided, single submitter. Criteria: Ambry Variant Classification Scheme 2023. Collection method: clinical testing. Allele origin: germline.
Comment: The c.166T>C (p.S56P) alteration is located in exon 1 (coding exon 1) of the EVC2 gene. This alteration results from a T to C substitution at nucleotide position 166, causing the serine (S) at amino acid position 56 to be replaced by a proline (P). Based on data from gnomAD, the C allele has an overall frequency of 0.003% (1/31146) total alleles studied. The highest observed frequency was 0.007% (1/15258) of European (non-Finnish) alleles. Based on insufficient or conflicting evidence, the clinical significance of this alteration remains unclear.

Labcorp Genetics (formerly Invitae), Labcorp
Classification: Uncertain significance for Curry-Hall syndrome; Ellis-van Creveld syndrome. Last evaluated: 2024-12-02. Review status: criteria provided, single submitter. Criteria: Invitae Variant Classification Sherloc (09022015). Collection method: clinical testing. Allele origin: germline.
Comment: This sequence change replaces serine, which is neutral and polar, with proline, which is neutral and non-polar, at codon 56 of the EVC2 protein (p.Ser56Pro). This variant is present in population databases (no rsID available, gnomAD 0.007%). This variant has not been reported in the literature in individuals affected with EVC2-related conditions. An algorithm developed to predict the effect of missense changes on protein structure and function outputs the following: PolyPhen-2: "Benign". The proline amino acid residue is found in multiple mammalian species, which suggests that this missense change does not adversely affect protein function. In summary, the available evidence is currently insufficient to determine the role of this variant in disease. Therefore, it has been classified as a Variant of Uncertain Significance.

NM_147127.5(EVC2):c.166T>C (p.Ser56Pro)

Gene: EVC2 (EvC ciliary complex subunit 2; minus strand). Cytogenetic location: 4p16.2.
Variant type: single nucleotide variant.
Coding change: c.166T>C on transcript NM_147127.5 (MANE Select); coding-DNA position 166, T replaced by C.
Protein change: p.Ser56Pro; replaces serine 56 with proline.
Molecular consequence: missense variant. On other transcripts: intron variant (1).
Genome position (GRCh38, 1-based): chr4:5,708,348, A>G on the plus strand (T>C on the coding strand, the complement: EVC2 is on the minus strand). VCF-style: chr4-5708348-A-G. GRCh37 (hg19) VCF-style: chr4-5710075-A-G.
Other names: c.-13+481T>C (NM_001166136.2); c.166T>C (NM_147127.4); short protein forms S56P.
Identifiers: ClinVar variation 3760750 (VCV003760750.3).
Genomic context (GRCh38, chr4:5,708,348, plus strand): 5'-GCGTGCTGCTCTCGGGCCCCGCCCCGCTCCGCCCCGGAGGGATCCTCAGGCCGGGCCCAG[A>G]CCTAGGAGCCACCTGGGGATCCCGGGGTGGCTGCGCGCCGAGGGGGCGCCAGCGGGGACG-3'
Protein context (NP_667338.3, residues 46-66): PPRDPQVAPR[Ser56Pro]GPGLRIPPGR